The following is an entry in ClinVar:

NM_133259.4(LRPPRC):c.2488_2489del (p.Thr830fs)

Gene: LRPPRC (leucine rich pentatricopeptide repeat containing; minus strand). Cytogenetic location: 2p21.
Variant type: Deletion.
Coding change: c.2488_2489del on transcript NM_133259.4 (MANE Select); coding-DNA positions 2488 to 2489, 2 bases deleted (AC; older notation c.2488_2489delAC).
Protein change: p.Thr830fs; shifts the reading frame from threonine 830.
Molecular consequence: frameshift variant.
Genome position (GRCh38, 1-based): chr2:43,943,702-43,943,703, GT deleted on the plus strand (AC on the coding strand, the reverse complement: LRPPRC is on the minus strand); deleting any 2 consecutive bases within chr2:43,943,702-43,943,704 gives the same sequence; the c. name uses the placement nearest the transcript's 3' end. VCF-style (leftmost placement, unchanged base first): chr2-43943701-AGT-A. GRCh37 (hg19) VCF-style: chr2-44170840-AGT-A.
Other names: short protein forms T830fs.
Identifiers: ClinVar variation 1726901 (VCV001726901.2), dbSNP rs2466555085, ClinGen allele CA2580066490.
Genomic context (GRCh38, chr2:43,943,701, plus strand): 5'-ATTCTTTTAATGCCAACATTTAAAATTCAAAATTCAATTAACTTACTTTTCCAAGTGTAC[AGT>A]GACCAATGGGAAACTTATGTTGGTGGATGGTTCTGCTAACCCTAGAGTCACGATGGCTTC-3'

ClinVar aggregate classification (germline): Likely pathogenic (1 of 4 stars; one submission).

Conditions:
Congenital lactic acidosis, Saguenay-Lac-Saint-Jean type (MC4DN5). Also called: CYTOCHROME c OXIDASE DEFICIENCY, FRENCH CANADIAN TYPE; COX DEFICIENCY, FRENCH CANADIAN TYPE; MITOCHONDRIAL COMPLEX IV DEFICIENCY, NUCLEAR TYPE 5. Identifiers: Orphanet 70472, MedGen C1857355, MONDO:0009069, OMIM 220111.

Submission:

Myriad Genetics, Inc.
Classification: Likely pathogenic for Congenital lactic acidosis, Saguenay-Lac-Saint-Jean type. Last evaluated: 2022-01-02. Review status: criteria provided, single submitter. Criteria: Myriad Women's Health Autosomal Recessive and X-Linked Classification Criteria (2021). Collection method: clinical testing. Allele origin: unknown.
Comment: NM_133259.3(LRPPRC):c.2488_2489delAC(T830Cfs*13) is expected to be pathogenic in the context of Leigh syndrome, French-Canadian type. This variant is predicted to lead to an abnormal or absent protein product due to the creation of a premature termination codon in LRPPRC, a gene where loss-of-function variants are known to be pathogenic. Please note: this variant was assessed in the context of healthy population screening.